The following is an entry in ClinVar:

ClinVar aggregate classification (germline): Uncertain significance (1 of 4 stars; one submission).

Conditions:
Hypertrophic cardiomyopathy 1 (CMH1). Also called: Familial hypertrophic cardiomyopathy 1; MYH7-Related Familial Hypertrophic Cardiomyopathy. Identifiers: MedGen C3495498, MONDO:0008647, OMIM 192600.

gnomAD v4.1: 1 of 1,614,084 alleles (0.000062%); highest among the groups gnomAD compares: Non-Finnish European, 0.000085%; no homozygotes.

Submission:

Labcorp Genetics (formerly Invitae), Labcorp
Classification: Uncertain significance for Hypertrophic cardiomyopathy 1. Last evaluated: 2025-12-14. Review status: criteria provided, single submitter. Criteria: Invitae Variant Classification Sherloc (09022015). Collection method: clinical testing. Allele origin: germline.
Comment: This sequence change replaces glycine, which is neutral and non-polar, with arginine, which is basic and polar, at codon 222 of the MYLK2 protein (p.Gly222Arg). This variant is not present in population databases (gnomAD no frequency). This variant has not been reported in the literature in individuals affected with MYLK2-related conditions. Invitae Evidence Modeling of protein sequence and biophysical properties (such as structural, functional, and spatial information, amino acid conservation, physicochemical variation, residue mobility, and thermodynamic stability) indicates that this missense variant is not expected to disrupt MYLK2 protein function with a negative predictive value of 80%. In summary, the available evidence is currently insufficient to determine the role of this variant in disease. Therefore, it has been classified as a Variant of Uncertain Significance.

NM_033118.4(MYLK2):c.664G>A (p.Gly222Arg)

Gene: MYLK2 (myosin light chain kinase 2; plus strand). Cytogenetic location: 20q11.21.
Variant type: single nucleotide variant.
Coding change: c.664G>A on transcript NM_033118.4 (MANE Select); coding-DNA position 664, G replaced by A.
Protein change: p.Gly222Arg; replaces glycine 222 with arginine.
Molecular consequence: missense variant.
Genome position (GRCh38, 1-based): chr20:31,821,629, G>A. VCF-style: chr20-31821629-G-A. GRCh37 (hg19) VCF-style: chr20-30409432-G-A.
Other names: short protein forms G222R.
Identifiers: ClinVar variation 4745468 (VCV004745468.1).